The following is an entry in ClinVar:

ClinVar aggregate classification (germline): Uncertain significance (1 of 4 stars; one submission).

Submission:

GeneDx
Classification: Uncertain significance. Last evaluated: 2023-05-26. Review status: criteria provided, single submitter. Criteria: GeneDx Variant Classification Process June 2021. Collection method: clinical testing. Allele origin: germline. Affected: yes.
Comment: Not observed at significant frequency in large population cohorts (gnomAD); In silico analysis supports that this missense variant does not alter protein structure/function; Has not been previously published as pathogenic or benign to our knowledge

NM_181552.4(CUX1):c.190A>G (p.Ile64Val)

Gene: CUX1 (cut like homeobox 1; plus strand). Cytogenetic location: 7q22.1.
Variant type: single nucleotide variant.
Coding change: c.190A>G on transcript NM_181552.4 (MANE Select); coding-DNA position 190, A replaced by G.
Protein change: p.Ile64Val; replaces isoleucine 64 with valine.
Molecular consequence: missense variant.
Genome position (GRCh38, 1-based): chr7:102,070,339, A>G. VCF-style: chr7-102070339-A-G. GRCh37 (hg19) VCF-style: chr7-101713619-A-G.
Other names: c.223A>G, p.Ile75Val (NM_001202543.2, NM_001202545.3, NM_001913.5 and 1 more transcripts); c.175A>G, p.Ile59Val (NM_001202544.3); c.112A>G, p.Ile38Val (NM_001202546.3); short protein forms I38V, I59V, I64V, I75V.
Identifiers: ClinVar variation 3343750 (VCV003343750.1).
Genomic context (GRCh38, chr7:102,070,339, plus strand): 5'-TTACCTCTTGACAAATGTTGAGCTCTTTGTTTTTCTTTTCTTTCTTTCCTTCCCTTTCAG[A>G]TTGATGCACTGAGTAAAAGAAGCAAGGAAGCTGAAGCAGCTTTCTTGAATGTCTACAAAA-3'
Protein context (NP_853530.2, residues 54-74): APLLKSFQGE[Ile64Val]DALSKRSKEA